The following is an entry in ClinVar:

NM_005144.5(HR):c.205C>T (p.Pro69Ser)

Gene: HR (HR lysine demethylase and nuclear receptor corepressor; minus strand). Cytogenetic location: 8p21.3.
Variant type: single nucleotide variant.
Coding change: c.205C>T on transcript NM_005144.5 (MANE Select); coding-DNA position 205, C replaced by T.
Protein change: p.Pro69Ser; replaces proline 69 with serine.
Molecular consequence: missense variant.
Genome position (GRCh38, 1-based): chr8:22,128,966, G>A on the plus strand (C>T on the coding strand, the complement: HR is on the minus strand). VCF-style: chr8-22128966-G-A. GRCh37 (hg19) VCF-style: chr8-21986479-G-A.
Other names: c.205C>T, p.Pro69Ser (NM_018411.4); short protein forms P69S.
Identifiers: ClinVar variation 770746 (VCV000770746.41), dbSNP rs78621054, ClinGen allele CA4662762.

ClinVar aggregate classification (germline): Benign/Likely benign. Review status: criteria provided, multiple submitters, no conflicts (2 of 4 stars). 6 submissions from 5 submitters: Benign (4); Likely benign (2). Last evaluated 2026-02-01.

Conditions:
Alopecia universalis congenita (ALUNC). Also called: ATRICHIA, GENERALIZED. Identifiers: Orphanet 701, MedGen C1859877, MONDO:0008757, OMIM 203655.
Atrichia with papular lesions (APL). Also called: PAPULAR ATRICHIA. Identifiers: Orphanet 86819, MedGen C1859592, MONDO:0008847, OMIM 209500.

Allele frequency attached by ClinVar (database versions not stated): TOPMed 0.00344; 1000 Genomes Project 0.00120; 1000 Genomes Project 30x 0.00141; ESP Exome Variant Server 0.00315; gnomAD exomes 0.00315; ExAC 0.00320; gnomAD 0.00324 and 0.00328.

Submissions (6):

CeGaT Center for Human Genetics Tuebingen
Classification: Likely benign. Last evaluated: 2026-02-01. Review status: criteria provided, single submitter. Criteria: CeGaT Center For Human Genetics Tuebingen Variant Classification Criteria Version 2. Collection method: clinical testing. Allele origin: germline. Affected: yes. Observed: 4 variant alleles.
Comment: HR: BP4, BS2

Labcorp Genetics (formerly Invitae), Labcorp
Classification: Benign. Last evaluated: 2025-12-22. Review status: criteria provided, single submitter. Criteria: Invitae Variant Classification Sherloc (09022015). Collection method: clinical testing. Allele origin: germline.

Blueprint Genetics
Classification: Likely benign. Last evaluated: 2024-11-27. Review status: criteria provided, single submitter. Criteria: ACMG Guidelines, 2015. Collection method: clinical testing. Allele origin: germline.

Illumina Laboratory Services, Illumina
Classification: Benign for Atrichia with papular lesions. Last evaluated: 2017-05-23. Review status: criteria provided, single submitter. Criteria: ICSL Variant Classification Criteria 13 December 2019. Collection method: clinical testing. Allele origin: germline.
Comment: This variant was observed as part of a predisposition screen in an ostensibly healthy population. A literature search was performed for the gene, cDNA change, and amino acid change (where applicable). Publications were found based on this search. The evidence from the literature, in combination with allele frequency data from public databases where available, was sufficient to rule this variant out of causing disease. Therefore, this variant is classified as benign.

Illumina Laboratory Services, Illumina
Classification: Benign for Alopecia universalis congenita. Last evaluated: 2017-05-23. Review status: criteria provided, single submitter. Criteria: ICSL Variant Classification Criteria 13 December 2019. Collection method: clinical testing. Allele origin: germline.
Comment: This variant was observed as part of a predisposition screen in an ostensibly healthy population. A literature search was performed for the gene, cDNA change, and amino acid change (where applicable). No publications were found based on this search. Allele frequency data from public databases was too high to be consistent with this variant causing disease. Therefore, this variant is classified as benign.

Breakthrough Genomics
Classification: Benign. Review status: criteria provided, single submitter. Criteria: ACMG Guidelines, 2015. Collection method: not provided. Allele origin: germline. Inheritance: Autosomal recessive inheritance. Affected: yes.

Literature cited by the submitters: PubMed 17609203 (cited by Illumina Laboratory Services, Illumina); PubMed 20087431 (cited by Illumina Laboratory Services, Illumina).